The following is an entry in ClinVar:

ClinVar aggregate classification (germline): Uncertain significance. Review status: criteria provided, multiple submitters, no conflicts (2 of 4 stars). 7 submissions from 7 submitters: Uncertain significance (6). 1 of the submissions does not count toward it. Last evaluated 2026-03-03.

Conditions:
Fanconi anemia complementation group J. Also called: BRIP1-Related Fanconi Anemia. Identifiers: Orphanet 84, MedGen C1836860, MONDO:0012187, OMIM 609054.
Familial cancer of breast. Also called: BREAST CANCER, FAMILIAL; hereditary breast carcinoma; Hereditary breast cancer. Identifiers: Orphanet 227535, MedGen C0346153, MONDO:0016419, OMIM 114480. Disease mechanism: loss of function.
Hereditary cancer-predisposing syndrome. Also called: Tumor predisposition; Hereditary neoplastic syndrome; Hereditary Cancer Syndrome; Neoplastic Syndromes, Hereditary. Identifiers: Orphanet 140162, MedGen C0027672, MeSH D009386, MONDO:0015356.
Hereditary breast ovarian cancer syndrome. Also called: Hereditary breast and ovarian cancer; Breast and ovarian cancer; BRCA1- and BRCA2-Associated Hereditary Breast and Ovarian Cancer; Hereditary breast and/or ovarian cancer syndrome; Hereditary breast and ovarian cancer syndrome; Hereditary breast and ovarian cancer syndrome (HBOC). Identifiers: Orphanet 145, MedGen C0677776, MeSH D061325, MONDO:0003582. Disease mechanism: loss of function.

Allele frequency attached by ClinVar (database versions not stated): TOPMed 0.00001; ExAC 0.00001; gnomAD 0.00003 and 0.00002; gnomAD exomes below 0.00001.
gnomAD v4.1: 7 of 1,614,120 alleles (0.00043%); highest among the groups gnomAD compares: African/African-American, 0.008%; no homozygotes.

Submissions (7):

Ambry Genetics
Classification: Uncertain significance for Hereditary cancer-predisposing syndrome. Last evaluated: 2026-03-03. Review status: criteria provided, single submitter. Criteria: Ambry Variant Classification Scheme 2023. Collection method: clinical testing. Allele origin: germline.

Labcorp Genetics (formerly Invitae), Labcorp
Classification: Uncertain significance for Familial cancer of breast; Fanconi anemia complementation group J. Last evaluated: 2025-05-22. Review status: criteria provided, single submitter. Criteria: Invitae Variant Classification Sherloc (09022015). Collection method: clinical testing. Allele origin: germline.
Comment: This sequence change replaces serine, which is neutral and polar, with leucine, which is neutral and non-polar, at codon 1063 of the BRIP1 protein (p.Ser1063Leu). This variant is present in population databases (rs575998972, gnomAD 0.007%). This variant has not been reported in the literature in individuals affected with BRIP1-related conditions. ClinVar contains an entry for this variant (Variation ID: 231368). Invitae Evidence Modeling of protein sequence and biophysical properties (such as structural, functional, and spatial information, amino acid conservation, physicochemical variation, residue mobility, and thermodynamic stability) indicates that this missense variant is not expected to disrupt BRIP1 protein function with a negative predictive value of 95%. In summary, the available evidence is currently insufficient to determine the role of this variant in disease. Therefore, it has been classified as a Variant of Uncertain Significance.

GeneDx
Classification: Uncertain significance. Last evaluated: 2024-03-12. Review status: criteria provided, single submitter. Criteria: GeneDx Variant Classification Process June 2021. Collection method: clinical testing. Allele origin: germline. Affected: yes.
Comment: Not observed at significant frequency in large population cohorts (gnomAD); In silico analysis supports that this missense variant does not alter protein structure/function; Has not been previously published as pathogenic or benign to our knowledge; This variant is associated with the following publications: (PMID: 11301010, 31214711, 36243179)

Department of Pathology and Laboratory Medicine, Sinai Health System
Classification: Uncertain significance for Hereditary breast ovarian cancer syndrome. Last evaluated: 2023-10-02. Review status: criteria provided, single submitter. Criteria: ACMG Guidelines, 2015. Collection method: clinical testing. Allele origin: germline. Affected: yes.

Color Diagnostics, LLC DBA Color Health
Classification: Uncertain significance for Hereditary cancer-predisposing syndrome. Last evaluated: 2019-05-30. Review status: criteria provided, single submitter. Criteria: ACMG Guidelines, 2015. Collection method: clinical testing. Allele origin: germline.

Women's Health and Genetics/Laboratory Corporation of America, LabCorp
Classification: Uncertain significance. Last evaluated: 2019-01-25. Review status: criteria provided, single submitter. Criteria: LabCorp Variant Classification Summary - May 2015. Collection method: clinical testing. Allele origin: germline.
Comment: Variant summary: BRIP1 c.3188C>T (p.Ser1063Leu) results in a non-conservative amino acid change in the encoded protein sequence. Four of five in-silico tools predict a benign effect of the variant on protein function. The variant allele was found at a frequency of 4.1e-06 in 246196 control chromosomes. The available data on variant occurrences in the general population are insufficient to allow any conclusion about variant significance. To our knowledge, no occurrence of c.3188C>T in individuals affected with Hereditary Breast and Ovarian Cancer and no experimental evidence demonstrating its impact on protein function have been reported. One clinical diagnostic laboratory has submitted clinical-significance assessments for this variant to ClinVar after 2014 without evidence for independent evaluation. One laboratory classified the variant as uncertain significance. Based on the evidence outlined above, the variant was classified as uncertain significance.

Leiden Open Variation Database
Classification: Uncertain significance. Last evaluated: 2019-08-13. Review status: no assertion criteria provided. Collection method: curation. Allele origin: germline. Affected: yes. Not counted in ClinVar's aggregate classification.
Comment: Curator: Arleen D. Auerbach. Submitter to LOVD: Yukihide Momozawa.

Literature cited by the submitters: PubMed 31214711 (cited by Leiden Open Variation Database).

NM_032043.3(BRIP1):c.3188C>T (p.Ser1063Leu)

Gene: BRIP1 (BRCA1 interacting DNA helicase 1; minus strand). Cytogenetic location: 17q23.2.
Variant type: single nucleotide variant.
Coding change: c.3188C>T on transcript NM_032043.3 (MANE Select); coding-DNA position 3188, C replaced by T.
Protein change: p.Ser1063Leu; replaces serine 1063 with leucine.
Molecular consequence: missense variant.
Genome position (GRCh38, 1-based): chr17:61,683,858, G>A on the plus strand (C>T on the coding strand, the complement: BRIP1 is on the minus strand). VCF-style: chr17-61683858-G-A. GRCh37 (hg19) VCF-style: chr17-59761219-G-A.
Other names: short protein forms S1063L.
Identifiers: ClinVar variation 231368 (VCV000231368.26), dbSNP rs575998972, ClinGen allele CA8690389.